The following is an entry in ClinVar:

NM_015335.5(MED13L):c.3046C>T (p.Pro1016Ser)

Gene: MED13L (mediator complex subunit 13L; minus strand). Cytogenetic location: 12q24.21.
Variant type: single nucleotide variant.
Coding change: c.3046C>T on transcript NM_015335.5 (MANE Select); coding-DNA position 3046, C replaced by T.
Protein change: p.Pro1016Ser; replaces proline 1016 with serine.
Molecular consequence: missense variant.
Genome position (GRCh38, 1-based): chr12:115,991,908, G>A on the plus strand (C>T on the coding strand, the complement: MED13L is on the minus strand). VCF-style: chr12-115991908-G-A. GRCh37 (hg19) VCF-style: chr12-116429713-G-A.
Other names: short protein forms P1016S.
Identifiers: ClinVar variation 3642267 (VCV003642267.2).

ClinVar aggregate classification (germline): Uncertain significance (1 of 4 stars; one submission).

Conditions:
Dextro-looped transposition of the great arteries. Also called: Dextrotransposition of the great arteries. Identifiers: Orphanet 860, MedGen C3531771, MONDO:0019443, OMIM 608808, HP:0031348.

gnomAD v4.1: 3 of 1,600,752 alleles (0.00019%); highest among the groups gnomAD compares: Admixed American, 0.0033%; no homozygotes.

Submission:

Labcorp Genetics (formerly Invitae), Labcorp
Classification: Uncertain significance for Dextro-looped transposition of the great arteries. Last evaluated: 2025-01-27. Review status: criteria provided, single submitter. Criteria: Invitae Variant Classification Sherloc (09022015). Collection method: clinical testing. Allele origin: germline.
Comment: This sequence change replaces proline, which is neutral and non-polar, with serine, which is neutral and polar, at codon 1016 of the MED13L protein (p.Pro1016Ser). This variant is present in population databases (rs200115442, gnomAD 0.003%). This variant has not been reported in the literature in individuals affected with MED13L-related conditions. Invitae Evidence Modeling of protein sequence and biophysical properties (such as structural, functional, and spatial information, amino acid conservation, physicochemical variation, residue mobility, and thermodynamic stability) indicates that this missense variant is expected to disrupt MED13L protein function with a positive predictive value of 80%. In summary, the available evidence is currently insufficient to determine the role of this variant in disease. Therefore, it has been classified as a Variant of Uncertain Significance.